The following is an entry in ClinVar:

NM_006206.6(PDGFRA):c.2805T>G (p.Ser935Arg)

Gene: PDGFRA (platelet derived growth factor receptor alpha; plus strand). Cytogenetic location: 4q12.
Variant type: single nucleotide variant.
Coding change: c.2805T>G on transcript NM_006206.6 (MANE Select); coding-DNA position 2805, T replaced by G.
Protein change: p.Ser935Arg; replaces serine 935 with arginine.
Molecular consequence: missense variant.
Genome position (GRCh38, 1-based): chr4:54,289,039, T>G. VCF-style: chr4-54289039-T-G. GRCh37 (hg19) VCF-style: chr4-55155206-T-G.
Other names: c.2880T>G, p.Ser960Arg (NM_001347828.2); c.2805T>G, p.Ser935Arg (NM_001347829.2); c.2844T>G, p.Ser948Arg (NM_001347830.2); short protein forms S935R, S948R, S960R.
Identifiers: ClinVar variation 459070 (VCV000459070.12), dbSNP rs1553906487, ClinGen allele CA356895716.

ClinVar aggregate classification (germline): Uncertain significance. Review status: criteria provided, multiple submitters, no conflicts (2 of 4 stars). 2 submissions from 2 submitters: Uncertain significance (2). Last evaluated 2025-07-09.

Conditions:
Gastrointestinal stromal tumor. Also called: Gastrointestinal stroma tumor; Gastrointestinal stromal tumor, somatic. Identifiers: Orphanet 44890, MedGen C0238198, MeSH D046152, MONDO:0011719, OMIM 606764, HP:0100723.
Hereditary cancer-predisposing syndrome. Also called: Tumor predisposition; Hereditary neoplastic syndrome; Neoplastic Syndromes, Hereditary; Hereditary Cancer Syndrome. Identifiers: Orphanet 140162, MedGen C0027672, MeSH D009386, MONDO:0015356.

Allele frequency attached by ClinVar (database versions not stated): gnomAD exomes below 0.00001; TOPMed below 0.00001.
gnomAD v4.1: 1 of 1,611,622 alleles (0.000062%); highest among the groups gnomAD compares: Non-Finnish European, 0.000085%; no homozygotes.

Submissions (2):

Ambry Genetics
Classification: Uncertain significance for Hereditary cancer-predisposing syndrome. Last evaluated: 2025-07-09. Review status: criteria provided, single submitter. Criteria: Ambry Variant Classification Scheme 2023. Collection method: clinical testing. Allele origin: germline.
Comment: The p.S935R variant (also known as c.2805T>G), located in coding exon 20 of the PDGFRA gene, results from a T to G substitution at nucleotide position 2805. The serine at codon 935 is replaced by arginine, an amino acid with dissimilar properties. This amino acid position is well conserved in available vertebrate species. In addition, the in silico prediction for this alteration is inconclusive. Since supporting evidence is limited at this time, the clinical significance of this alteration remains unclear.

Labcorp Genetics (formerly Invitae), Labcorp
Classification: Uncertain significance for Gastrointestinal stromal tumor. Last evaluated: 2025-05-12. Review status: criteria provided, single submitter. Criteria: Invitae Variant Classification Sherloc (09022015). Collection method: clinical testing. Allele origin: germline.
Comment: This sequence change replaces serine, which is neutral and polar, with arginine, which is basic and polar, at codon 935 of the PDGFRA protein (p.Ser935Arg). This variant is not present in population databases (gnomAD no frequency). This variant has not been reported in the literature in individuals affected with PDGFRA-related conditions. ClinVar contains an entry for this variant (Variation ID: 459070). Invitae Evidence Modeling of protein sequence and biophysical properties (such as structural, functional, and spatial information, amino acid conservation, physicochemical variation, residue mobility, and thermodynamic stability) indicates that this missense variant is not expected to disrupt PDGFRA protein function with a negative predictive value of 80%. In summary, the available evidence is currently insufficient to determine the role of this variant in disease. Therefore, it has been classified as a Variant of Uncertain Significance.